The following is an entry in ClinVar:

NC_000009.12:g.35658102G>C

Gene: RMRP (RNA component of mitochondrial RNA processing endoribonuclease; minus strand). Cytogenetic location: 9p13.3.
Variant type: single nucleotide variant.
Genome position: GRCh38 VCF-style: chr9-35658102-G-C. GRCh37 (hg19) VCF-style: chr9-35658099-G-C.
Identifiers: ClinVar variation 1931759 (VCV001931759.2), dbSNP rs1437731699, ClinGen allele CA587570284.
Genomic context (GRCh38, chr9:35,658,102, plus strand): 5'-TATTTTATAGCCCTAAAGAAATTGTGTTTTATGATTAGGGTGAGAAAGTTGGTGGCGTGA[G>C]ATTAAAAAAACCGTTTTCGGGCATAACTTTCTAAGACTATAGGCTTTCAGAGGCATTGTG-3'

ClinVar aggregate classification (germline): Uncertain significance (1 of 4 stars; one submission).

Conditions:
Anauxetic dysplasia. Identifiers: Orphanet 93347, MedGen C1846796, MONDO:0011773.

Submission:

Labcorp Genetics (formerly Invitae), Labcorp
Classification: Uncertain significance for Anauxetic dysplasia. Last evaluated: 2022-05-31. Review status: criteria provided, single submitter. Criteria: Invitae Variant Classification Sherloc (09022015). Collection method: clinical testing. Allele origin: germline.
Comment: This variant occurs in the RMRP gene, which encodes an RNA molecule that does not result in a protein product. This variant is present in population databases (no rsID available, gnomAD 0.06%). This variant has not been reported in the literature in individuals affected with RMRP-related conditions. Experimental studies and prediction algorithms are not available or were not evaluated, and the functional significance of this variant is currently unknown. In summary, the available evidence is currently insufficient to determine the role of this variant in disease. Therefore, it has been classified as a Variant of Uncertain Significance.